The following is an entry in ClinVar:

ClinVar aggregate classification (germline): Likely pathogenic (0 of 4 stars; one submission).

Conditions:
Arthrogryposis, renal dysfunction, and cholestasis 1 (ARCS1). Identifiers: Orphanet 2697, MedGen C1859722, MONDO:0008822, OMIM 208085.

Submission:

Molecular Diagnostics Laboratory, Seoul National University Hospital
Classification: Likely pathogenic for Arthrogryposis, renal dysfunction, and cholestasis 1. Review status: no assertion criteria provided. Collection method: clinical testing. Allele origin: inherited. Affected: yes.
Comment: This likely pathogenic variant (NM_018668.5:c.621G>A) was found in compound heterozygosity with the likely pathogenic variant NM_018668.5:c.239+5G>A.

NM_018668.5(VPS33B):c.621G>A (p.Trp207Ter)

Gene: VPS33B (VPS33B late endosome and lysosome associated; minus strand). Cytogenetic location: 15q26.1.
Variant type: single nucleotide variant.
Coding change: c.621G>A on transcript NM_018668.5 (MANE Select); coding-DNA position 621, G replaced by A.
Protein change: p.Trp207Ter; replaces tryptophan 207 with a stop codon.
Molecular consequence: nonsense.
Genome position (GRCh38, 1-based): chr15:91,007,029, C>T on the plus strand (G>A on the coding strand, the complement: VPS33B is on the minus strand). VCF-style: chr15-91007029-C-T. GRCh37 (hg19) VCF-style: chr15-91550259-C-T.
Other names: c.540G>A, p.Trp180Ter (NM_001289148.1); c.348G>A, p.Trp116Ter (NM_001289149.1); short protein forms W116*, W180*, W207*.
Identifiers: ClinVar variation 1706608 (VCV001706608.2), dbSNP rs2544229925, ClinGen allele CA393855383.